The following is an entry in ClinVar:

NM_001042492.3(NF1):c.567A>G (p.Lys189=)

Gene: NF1 (neurofibromin 1; plus strand). Cytogenetic location: 17q11.2.
Variant type: single nucleotide variant.
Coding change: c.567A>G on transcript NM_001042492.3 (MANE Select); coding-DNA position 567, A replaced by G.
Protein change: p.Lys189=; no amino-acid change (lysine 189 retained).
Molecular consequence: synonymous variant.
Genome position (GRCh38, 1-based): chr17:31,169,978, A>G. VCF-style: chr17-31169978-A-G. GRCh37 (hg19) VCF-style: chr17-29496996-A-G.
Other names: c.567A>G, p.Lys189= (NM_000267.4, NM_001128147.3).
Identifiers: ClinVar variation 569310 (VCV000569310.11), dbSNP rs1567820796, ClinGen allele CA499201621.

ClinVar aggregate classification (germline): Benign/Likely benign. Review status: criteria provided, multiple submitters, no conflicts (2 of 4 stars). 3 submissions from 3 submitters: Benign (1); Likely benign (2). Last evaluated 2026-09-23.

Conditions:
Neurofibromatosis, type 1 (NF1). Also called: VON RECKLINGHAUSEN DISEASE; Peripheral type neurofibromatosis; NEUROFIBROMATOSIS, TYPE I, SOMATIC; Neurofibromatosis, type I. Identifiers: Orphanet 636, MedGen C0027831, MONDO:0018975, OMIM 162200. Disease mechanism: loss of function.
Hereditary cancer-predisposing syndrome. Also called: Hereditary Cancer Syndrome; Hereditary neoplastic syndrome; Neoplastic Syndromes, Hereditary; Tumor predisposition. Identifiers: Orphanet 140162, MedGen C0027672, MeSH D009386, MONDO:0015356.
Cardiovascular phenotype. Identifiers: MedGen CN230736.

Allele frequency attached by ClinVar (database versions not stated): TOPMed below 0.00001.

Submissions (3):

Myriad Genetics, Inc.
Classification: Benign for Neurofibromatosis, type 1. Last evaluated: 2026-09-23. Review status: criteria provided, single submitter. Criteria: Myriad Autosomal Dominant, Autosomal Recessive and X-Linked Classification Criteria (2023). Collection method: clinical testing. Allele origin: unknown.
Comment: This variant is considered benign. This variant is a silent/synonymous amino acid change and it is not expected to impact splicing.

Labcorp Genetics (formerly Invitae), Labcorp
Classification: Likely benign for Neurofibromatosis, type 1. Last evaluated: 2025-11-19. Review status: criteria provided, single submitter. Criteria: Invitae Variant Classification Sherloc (09022015). Collection method: clinical testing. Allele origin: germline.

Ambry Genetics
Classification: Likely benign for Cardiovascular phenotype; Hereditary cancer-predisposing syndrome. Last evaluated: 2018-05-10. Review status: criteria provided, single submitter. Criteria: Ambry Variant Classification Scheme 2023. Collection method: clinical testing. Allele origin: germline.